The following is an entry in ClinVar:

ClinVar aggregate classification (germline): Conflicting classifications of pathogenicity. Review status: criteria provided, conflicting classifications (1 of 4 stars). 2 submissions from 2 submitters: Likely pathogenic (1); Uncertain significance (1). Last evaluated 2026-09-21.

Conditions:
Autosomal recessive limb-girdle muscular dystrophy type 2J (LGMDR10). Also called: Limb-girdle muscular dystrophy, type 2J; MUSCULAR DYSTROPHY, LIMB-GIRDLE, AUTOSOMAL RECESSIVE 10. Identifiers: Orphanet 140922, MedGen C1837342, MONDO:0012127, OMIM 608807.
Dilated cardiomyopathy 1G (CMD1G). Identifiers: Orphanet 154, MedGen C1858763, MONDO:0011400, OMIM 604145.

gnomAD v4.1: 3 of 1,601,172 alleles (0.00019%); highest among the groups gnomAD compares: Non-Finnish European, 0.00026%; no homozygotes.

Submissions (2):

GeneDx
Classification: Uncertain significance. Last evaluated: 2026-09-21. Review status: criteria provided, single submitter. Criteria: GeneDx Variant Classification Process June 2021. Collection method: clinical testing. Allele origin: germline.
Comment: Canonical splice site variant in a region of a gene for which loss of function is not a well-established mechanism of disease; Not observed at significant frequency in large population cohorts (gnomAD); Has not been previously published as pathogenic or benign to our knowledge

Labcorp Genetics (formerly Invitae), Labcorp
Classification: Likely pathogenic for Dilated cardiomyopathy 1G; Autosomal recessive limb-girdle muscular dystrophy type 2J. Last evaluated: 2024-04-15. Review status: criteria provided, single submitter. Criteria: Invitae Variant Classification Sherloc (09022015). Collection method: clinical testing. Allele origin: germline.
Comment: This sequence change affects a donor splice site in intron 156 of the TTN gene. It is expected to disrupt RNA splicing and likely results in a truncated or disrupted TTN protein. This variant is present in population databases (no rsID available, gnomAD 0.0009%). Disruption of this splice site has been observed in individual(s) with hypertrophic cardiomyopathy (PMID: 22335739). Algorithms developed to predict the effect of sequence changes on RNA splicing suggest that this variant may disrupt the consensus splice site. This variant is located in the I band of TTN (PMID: 25589632). Truncating variants in this region have been reported in individuals affected with autosomal recessive centronuclear myopathy (PMID: 23975875, Invitae internal data). Truncating variants in this region have also been identified in individuals affected with autosomal dominant dilated cardiomyopathy and/or cardio-related conditions (PMID: 27869827, 32964742, Invitae internal data). In summary, the currently available evidence indicates that the variant is pathogenic, but additional data are needed to prove that conclusively. Therefore, this variant has been classified as Likely Pathogenic.

Literature cited by the submitters: PubMed 22335739 (cited by Labcorp Genetics (formerly Invitae), Labcorp); PubMed 25589632 (cited by Labcorp Genetics (formerly Invitae), Labcorp); PubMed 23975875 (cited by Labcorp Genetics (formerly Invitae), Labcorp); PubMed 27869827 (cited by Labcorp Genetics (formerly Invitae), Labcorp); PubMed 32964742 (cited by Labcorp Genetics (formerly Invitae), Labcorp).

NM_001267550.2(TTN):c.35308+1G>A

Gene: TTN (titin; minus strand). Cytogenetic location: 2q31.2.
Variant type: single nucleotide variant.
Coding change: c.35308+1G>A on transcript NM_001267550.2 (MANE Select); the canonical splice donor site of the intron after coding-DNA position 35308, G replaced by A.
Molecular consequence: splice donor variant. On other transcripts: intron variant (3).
Genome position (GRCh38, 1-based): chr2:178,671,089, C>T on the plus strand (G>A on the coding strand, the complement: TTN is on the minus strand). VCF-style: chr2-178671089-C-T. GRCh37 (hg19) VCF-style: chr2-179535816-C-T.
Other names: c.13283-28772G>A (NM_003319.4); c.13859-28772G>A (NM_133437.4); c.13658-28772G>A (NM_133432.3); c.31405+1G>A (NM_133378.4); c.34186+1G>A (NM_001256850.1).
Identifiers: ClinVar variation 2930111 (VCV002930111.5), dbSNP rs1423135750, ClinGen allele CA349515182.